The following is an entry in ClinVar:

NM_000020.3(ACVRL1):c.593T>C (p.Val198Ala)

Gene: ACVRL1 (activin A receptor like type 1; plus strand). Cytogenetic location: 12q13.13.
Variant type: single nucleotide variant.
Coding change: c.593T>C on transcript NM_000020.3 (MANE Select); coding-DNA position 593, T replaced by C.
Protein change: p.Val198Ala; replaces valine 198 with alanine.
Molecular consequence: missense variant.
Genome position (GRCh38, 1-based): chr12:51,914,041, T>C. VCF-style: chr12-51914041-T-C. GRCh37 (hg19) VCF-style: chr12-52307825-T-C.
Other names: c.593T>C, p.Val198Ala (NM_001077401.2); short protein forms V198A.
Identifiers: ClinVar variation 285509 (VCV000285509.13), dbSNP rs886043123, ClinGen allele CA10605136.
Genomic context (GRCh38, chr12:51,914,041, plus strand): 5'-TGGACAGTGACTGCACCACAGGGAGTGGCTCAGGGCTCCCCTTCCTGGTGCAGAGGACAG[T>C]GGCACGGCAGGTTGCCTTGGTGGAGTGTGTGGGTGAGCAGTGGGTGAGCCCGGTGGATGA-3'
Protein context (NP_000011.2, residues 188-208): SGLPFLVQRT[Val198Ala]ARQVALVECV

ClinVar aggregate classification (germline): Uncertain significance. Review status: criteria provided, multiple submitters, no conflicts (2 of 4 stars). 2 submissions from 2 submitters: Uncertain significance (2). Last evaluated 2022-12-06.

Conditions:
Telangiectasia, hereditary hemorrhagic, type 2 (HHT2). Also called: Telangiectasia, hereditary hemorrhagic, type II; ACVRL1-Related Hereditary Hemorrhagic Telangiectasia. Identifiers: Orphanet 774, MedGen C1838163, MONDO:0010880, OMIM 600376. Disease mechanism: loss of function.

Submissions (2):

Labcorp Genetics (formerly Invitae), Labcorp
Classification: Uncertain significance for Telangiectasia, hereditary hemorrhagic, type 2. Last evaluated: 2022-12-06. Review status: criteria provided, single submitter. Criteria: Invitae Variant Classification Sherloc (09022015). Collection method: clinical testing. Allele origin: germline.
Comment: This variant has not been reported in the literature in individuals affected with ACVRL1-related conditions. In summary, the available evidence is currently insufficient to determine the role of this variant in disease. Therefore, it has been classified as a Variant of Uncertain Significance. Advanced modeling of protein sequence and biophysical properties (such as structural, functional, and spatial information, amino acid conservation, physicochemical variation, residue mobility, and thermodynamic stability) performed at Invitae indicates that this missense variant is expected to disrupt ACVRL1 protein function. ClinVar contains an entry for this variant (Variation ID: 285509). This variant is not present in population databases (gnomAD no frequency). This sequence change replaces valine, which is neutral and non-polar, with alanine, which is neutral and non-polar, at codon 198 of the ACVRL1 protein (p.Val198Ala).

Eurofins Ntd Llc (ga)
Classification: Uncertain significance. Last evaluated: 2016-01-12. Review status: criteria provided, single submitter. Criteria: EGL Classification Definitions 2015. Collection method: clinical testing. Allele origin: germline. Observed: 1 variant allele, 1 heterozygote.